The following is an entry in ClinVar:

ClinVar aggregate classification (germline): Uncertain significance. Review status: criteria provided, multiple submitters, no conflicts (2 of 4 stars). 2 submissions from 2 submitters: Uncertain significance (2). Last evaluated 2025-05-27.

Conditions:
Familial melanoma. Also called: Hereditary melanoma; Hereditary cutaneous melanoma. Identifiers: Orphanet 618, MedGen C1512419, MONDO:0018961.
Hereditary cancer-predisposing syndrome. Also called: Tumor predisposition; Hereditary Cancer Syndrome; Neoplastic Syndromes, Hereditary; Hereditary neoplastic syndrome. Identifiers: Orphanet 140162, MedGen C0027672, MeSH D009386, MONDO:0015356.

Submissions (2):

Labcorp Genetics (formerly Invitae), Labcorp
Classification: Uncertain significance for Familial melanoma. Last evaluated: 2025-05-27. Review status: criteria provided, single submitter. Criteria: Invitae Variant Classification Sherloc (09022015). Collection method: clinical testing. Allele origin: germline.
Comment: This sequence change replaces glutamic acid, which is acidic and polar, with aspartic acid, which is acidic and polar, at codon 299 of the CDK4 protein (p.Glu299Asp). This variant is not present in population databases (gnomAD no frequency). This variant has not been reported in the literature in individuals affected with CDK4-related conditions. ClinVar contains an entry for this variant (Variation ID: 822862). Invitae Evidence Modeling of protein sequence and biophysical properties (such as structural, functional, and spatial information, amino acid conservation, physicochemical variation, residue mobility, and thermodynamic stability) indicates that this missense variant is not expected to disrupt CDK4 protein function with a negative predictive value of 95%. In summary, the available evidence is currently insufficient to determine the role of this variant in disease. Therefore, it has been classified as a Variant of Uncertain Significance.

Ambry Genetics
Classification: Uncertain significance for Hereditary cancer-predisposing syndrome. Last evaluated: 2023-04-16. Review status: criteria provided, single submitter. Criteria: Ambry Variant Classification Scheme 2023. Collection method: clinical testing. Allele origin: germline.
Comment: The p.E299D variant (also known as c.897A>T), located in coding exon 7 of the CDK4 gene, results from an A to T substitution at nucleotide position 897. The glutamic acid at codon 299 is replaced by aspartic acid, an amino acid with highly similar properties. This amino acid position is well conserved in available vertebrate species. In addition, this alteration is predicted to be tolerated by in silico analysis. Since supporting evidence is limited at this time, the clinical significance of this alteration remains unclear.

NM_000075.4(CDK4):c.897A>T (p.Glu299Asp)

Genes: TSPAN31 (tetraspanin 31; plus strand), CDK4 (cyclin dependent kinase 4; minus strand). Cytogenetic location: 12q14.1.
Variant type: single nucleotide variant.
Coding change: c.897A>T on transcript NM_000075.4 (MANE Select); coding-DNA position 897, A replaced by T.
Protein change: p.Glu299Asp; replaces glutamic acid 299 with aspartic acid.
Molecular consequence: missense variant. On other transcripts: 3 prime UTR variant (3).
Genome position (GRCh38, 1-based): chr12:57,748,540, T>A on the plus strand (A>T on the coding strand, the complement: CDK4 is on the minus strand). VCF-style: chr12-57748540-T-A. GRCh37 (hg19) VCF-style: chr12-58142323-T-A.
Other names: c.*1250T>A (NM_001330168.2, NM_001330169.2, NM_005981.5); short protein forms E299D.
Identifiers: ClinVar variation 822862 (VCV000822862.9), dbSNP rs1595107685, ClinGen allele CA385542201.